The following is an entry in ClinVar:

NM_001365536.1(SCN9A):c.2824G>A (p.Ala942Thr)

Genes: SCN1A-AS1 (SCN1A and SCN9A antisense RNA 1; plus strand), SCN9A (sodium voltage-gated channel alpha subunit 9; minus strand). Cytogenetic location: 2q24.3.
Variant type: single nucleotide variant.
Coding change: c.2824G>A on transcript NM_001365536.1 (MANE Select); coding-DNA position 2824, G replaced by A.
Protein change: p.Ala942Thr; replaces alanine 942 with threonine.
Molecular consequence: missense variant.
Genome position (GRCh38, 1-based): chr2:166,277,033, C>T on the plus strand (G>A on the coding strand, the complement: SCN9A is on the minus strand). VCF-style: chr2-166277033-C-T. GRCh37 (hg19) VCF-style: chr2-167133543-C-T.
Other names: c.2791G>A, p.Ala931Thr (NM_002977.4); short protein forms A931T, A942T.
Identifiers: ClinVar variation 575831 (VCV000575831.8), dbSNP rs376303259, ClinGen allele CA1944199.

ClinVar aggregate classification (germline): Uncertain significance (1 of 4 stars; one submission).

Conditions:
Neuropathy, hereditary sensory and autonomic, type 2A (HSAN2A). Also called: HSAN IIA; ACROOSTEOLYSIS, GIACCAI TYPE; ACROOSTEOLYSIS, NEUROGENIC; WNK1-Related HSAN2 (HSAN2A); MORVAN DISEASE; NEUROPATHY, CONGENITAL SENSORY. Identifiers: Orphanet 970, MedGen C2752089, MONDO:0024309, OMIM 201300.
Generalized epilepsy with febrile seizures plus, type 7 (GEFSP7). Also called: GEFS+, TYPE 7. Identifiers: Orphanet 36387, MedGen C2751778, MONDO:0013470, OMIM 613863.

Allele frequency attached by ClinVar (database versions not stated): ExAC 0.00001; gnomAD 0.00001; gnomAD exomes 0.00001; TOPMed 0.00001; ESP Exome Variant Server 0.00008.
gnomAD v4.1: 10 of 1,613,884 alleles (0.00062%); highest among the groups gnomAD compares: Non-Finnish European, 0.00085%; no homozygotes.

Submission:

Labcorp Genetics (formerly Invitae), Labcorp
Classification: Uncertain significance for Neuropathy, hereditary sensory and autonomic, type 2A; Generalized epilepsy with febrile seizures plus, type 7. Last evaluated: 2023-06-16. Review status: criteria provided, single submitter. Criteria: Invitae Variant Classification Sherloc (09022015). Collection method: clinical testing. Allele origin: germline.
Comment: This sequence change replaces alanine, which is neutral and non-polar, with threonine, which is neutral and polar, at codon 931 of the SCN9A protein (p.Ala931Thr). This variant is present in population databases (rs376303259, gnomAD 0.003%). This variant has not been reported in the literature in individuals affected with SCN9A-related conditions. ClinVar contains an entry for this variant (Variation ID: 575831). Advanced modeling of protein sequence and biophysical properties (such as structural, functional, and spatial information, amino acid conservation, physicochemical variation, residue mobility, and thermodynamic stability) performed at Invitae indicates that this missense variant is not expected to disrupt SCN9A protein function. In summary, the available evidence is currently insufficient to determine the role of this variant in disease. Therefore, it has been classified as a Variant of Uncertain Significance.